The following is an entry in ClinVar:

ClinVar aggregate classification (germline): Benign/Likely benign. Review status: criteria provided, multiple submitters, no conflicts (2 of 4 stars). 6 submissions from 5 submitters: Benign (4); Likely benign (2). Last evaluated 2026-01-15.

Conditions:
Pierson syndrome. Also called: MICROCORIA-CONGENITAL NEPHROTIC SYNDROME. Identifiers: Orphanet 2670, MedGen C1836876, MONDO:0012184, OMIM 609049.
LAMB2-related infantile-onset nephrotic syndrome. Also called: NEPHROTIC SYNDROME, TYPE 5, WITHOUT OCULAR ABNORMALITIES; NEPHROTIC SYNDROME, TYPE 5, WITH OCULAR ABNORMALITIES; Nephrotic Syndrome, type 5. Identifiers: Orphanet 306507, MedGen C3280113, MONDO:0013621, OMIM 614199.

Allele frequency attached by ClinVar (database versions not stated): gnomAD exomes 0.00056 and 0.00160; ExAC 0.00200; gnomAD 0.00625 and 0.00662; ESP Exome Variant Server 0.00692; 1000 Genomes Project 0.00699; TOPMed 0.00703; 1000 Genomes Project 30x 0.00718.
gnomAD v4.1: 1,807 of 1,611,696 alleles (0.11%); highest among the groups gnomAD compares: African/African-American, 2.1%; 21 homozygotes.

Submissions (20):

Labcorp Genetics (formerly Invitae), Labcorp
Classification: Benign for LAMB2-related infantile-onset nephrotic syndrome; Pierson syndrome. Last evaluated: 2026-01-15. Review status: criteria provided, single submitter. Criteria: Invitae Variant Classification Sherloc (09022015). Collection method: clinical testing. Allele origin: germline.

Mayo Clinic Laboratories, Mayo Clinic
Classification: Benign. Last evaluated: 2025-01-28. Review status: criteria provided, single submitter. Criteria: ACMG Guidelines, 2015. Collection method: clinical testing. Allele origin: germline. Observed: 5 variant alleles.
Comment: BS1, BS2

GeneDx
Classification: Likely benign. Last evaluated: 2020-03-02. Review status: criteria provided, single submitter. Criteria: GeneDx Variant Classification Process June 2021. Collection method: clinical testing. Allele origin: germline. Affected: yes.

Illumina Laboratory Services, Illumina
Classification: Benign for LAMB2-related infantile-onset nephrotic syndrome. Last evaluated: 2018-01-13. Review status: criteria provided, single submitter. Criteria: ICSL Variant Classification Criteria 13 December 2019. Collection method: clinical testing. Allele origin: germline.
Comment: This variant was observed in the ICSL laboratory as part of a predisposition screen in an ostensibly healthy population. It had not been previously curated by ICSL or reported in the Human Gene Mutation Database (HGMD: prior to June 1st, 2018), and was therefore a candidate for classification through an automated scoring system. Utilizing variant allele frequency, disease prevalence and penetrance estimates, and inheritance mode, an automated score was calculated to assess if this variant is too frequent to cause the disease. Based on the score and internal cut-off values, a variant classified as benign is not then subjected to further curation. The score for this variant resulted in a classification of benign for this disease.

Illumina Laboratory Services, Illumina
Classification: Benign for Pierson syndrome. Last evaluated: 2018-01-13. Review status: criteria provided, single submitter. Criteria: ICSL Variant Classification Criteria 13 December 2019. Collection method: clinical testing. Allele origin: germline.
Comment: the same text as in the submission from Illumina Laboratory Services, Illumina above.

Breakthrough Genomics
Classification: Likely benign. Review status: criteria provided, single submitter. Criteria: ACMG Guidelines, 2015. Collection method: not provided. Allele origin: germline. Inheritance: Autosomal recessive inheritance. Affected: yes.

Dr. Peter K. Rogan Lab, Western University
No classification provided (evidence only). Condition: Lung cancer. Review status: no classification provided. Collection method: in vitro. Allele origin: not applicable. Functional consequence: retained intron. Not counted in ClinVar's aggregate classification.

Dr. Peter K. Rogan Lab, Western University
No classification provided (evidence only). Condition: Acute myeloid leukemia. Review status: no classification provided. Collection method: in vitro. Allele origin: not applicable. Functional consequence: retained intron. Not counted in ClinVar's aggregate classification.

Dr. Peter K. Rogan Lab, Western University
No classification provided (evidence only). Condition: Thyroid cancer, nonmedullary, 1. Review status: no classification provided. Collection method: in vitro. Allele origin: not applicable. Functional consequence: retained intron. Not counted in ClinVar's aggregate classification.

Dr. Peter K. Rogan Lab, Western University
No classification provided (evidence only). Condition: Thyroid cancer, nonmedullary, 1. Review status: no classification provided. Collection method: in vitro. Allele origin: not applicable. Functional consequence: retained intron. Not counted in ClinVar's aggregate classification.

Dr. Peter K. Rogan Lab, Western University
No classification provided (evidence only). Condition: Thyroid cancer, nonmedullary, 1. Review status: no classification provided. Collection method: in vitro. Allele origin: not applicable. Functional consequence: retained intron. Not counted in ClinVar's aggregate classification.

Dr. Peter K. Rogan Lab, Western University
No classification provided (evidence only). Condition: Thyroid cancer, nonmedullary, 1. Review status: no classification provided. Collection method: in vitro. Allele origin: not applicable. Functional consequence: retained intron. Not counted in ClinVar's aggregate classification.

Dr. Peter K. Rogan Lab, Western University
No classification provided (evidence only). Condition: Uterine corpus endometrial carcinoma. Review status: no classification provided. Collection method: in vitro. Allele origin: not applicable. Functional consequence: retained intron. Not counted in ClinVar's aggregate classification.

Dr. Peter K. Rogan Lab, Western University
No classification provided (evidence only). Condition: Uterine corpus endometrial carcinoma. Review status: no classification provided. Collection method: in vitro. Allele origin: not applicable. Functional consequence: retained intron. Not counted in ClinVar's aggregate classification.

Dr. Peter K. Rogan Lab, Western University
No classification provided (evidence only). Condition: Uterine corpus endometrial carcinoma. Review status: no classification provided. Collection method: in vitro. Allele origin: not applicable. Functional consequence: retained intron. Not counted in ClinVar's aggregate classification.

Dr. Peter K. Rogan Lab, Western University
No classification provided (evidence only). Condition: Uterine corpus endometrial carcinoma. Review status: no classification provided. Collection method: in vitro. Allele origin: not applicable. Functional consequence: retained intron. Not counted in ClinVar's aggregate classification.

Dr. Peter K. Rogan Lab, Western University
No classification provided (evidence only). Condition: Uterine corpus endometrial carcinoma. Review status: no classification provided. Collection method: in vitro. Allele origin: not applicable. Functional consequence: retained intron. Not counted in ClinVar's aggregate classification.

Dr. Peter K. Rogan Lab, Western University
No classification provided (evidence only). Condition: Cervical cancer. Review status: no classification provided. Collection method: in vitro. Allele origin: not applicable. Functional consequence: retained intron. Not counted in ClinVar's aggregate classification.

Dr. Peter K. Rogan Lab, Western University
No classification provided (evidence only). Condition: Uterine carcinosarcoma. Review status: no classification provided. Collection method: in vitro. Allele origin: not applicable. Functional consequence: retained intron. Not counted in ClinVar's aggregate classification.

Dr. Peter K. Rogan Lab, Western University
No classification provided (evidence only). Condition: Malignant tumor of esophagus. Review status: no classification provided. Collection method: in vitro. Allele origin: not applicable. Functional consequence: retained intron. Not counted in ClinVar's aggregate classification.

NM_002292.4(LAMB2):c.4222C>T (p.Leu1408=)

Gene: LAMB2 (laminin subunit beta 2; minus strand). Cytogenetic location: 3p21.31.
Variant type: single nucleotide variant.
Coding change: c.4222C>T on transcript NM_002292.4 (MANE Select); coding-DNA position 4222, C replaced by T.
Protein change: p.Leu1408=; no amino-acid change (leucine 1408 retained).
Molecular consequence: synonymous variant.
Genome position (GRCh38, 1-based): chr3:49,123,134, G>A on the plus strand (C>T on the coding strand, the complement: LAMB2 is on the minus strand). VCF-style: chr3-49123134-G-A. GRCh37 (hg19) VCF-style: chr3-49160567-G-A.
Other names: p.Leu1408=.
Identifiers: ClinVar variation 345979 (VCV000345979.19), dbSNP rs143974640, ClinGen allele CA2393847.